The following is an entry in ClinVar:

NM_004380.3(CREBBP):c.85+2T>G

Gene: CREBBP (CREB binding lysine acetyltransferase; minus strand). Cytogenetic location: 16p13.3.
Variant type: single nucleotide variant.
Coding change: c.85+2T>G on transcript NM_004380.3 (MANE Select); the canonical splice donor site of the intron after coding-DNA position 85, T replaced by G.
Molecular consequence: splice donor variant.
Genome position (GRCh38, 1-based): chr16:3,879,830, A>C on the plus strand (T>G on the coding strand, the complement: CREBBP is on the minus strand). VCF-style: chr16-3879830-A-C. GRCh37 (hg19) VCF-style: chr16-3929831-A-C.
Other names: c.85+2T>G (NM_001079846.1).
Identifiers: ClinVar variation 2063218 (VCV002063218.4), dbSNP rs77109850, ClinGen allele CA394567656.

ClinVar aggregate classification (germline): Pathogenic (1 of 4 stars; one submission).

Conditions:
Rubinstein-Taybi syndrome (RSTS). Identifiers: Orphanet 783, MedGen C0035934, MONDO:0019188.

Submission:

Labcorp Genetics (formerly Invitae), Labcorp
Classification: Pathogenic for Rubinstein-Taybi syndrome. Last evaluated: 2022-08-23. Review status: criteria provided, single submitter. Criteria: Invitae Variant Classification Sherloc (09022015). Collection method: clinical testing. Allele origin: germline.
Comment: For these reasons, this variant has been classified as Pathogenic. Algorithms developed to predict the effect of sequence changes on RNA splicing suggest that this variant may disrupt the consensus splice site. Disruption of this splice site has been observed in individual(s) with Rubinstein-Taybi syndrome (PMID: 21984751). In at least one individual the variant was observed to be de novo. This variant is not present in population databases (gnomAD no frequency). This sequence change affects a donor splice site in intron 1 of the CREBBP gene. It is expected to disrupt RNA splicing. Variants that disrupt the donor or acceptor splice site typically lead to a loss of protein function (PMID: 16199547), and loss-of-function variants in CREBBP are known to be pathogenic (PMID: 17052327, 18792986).

Literature cited by the submitters: PubMed 21984751; PubMed 16199547; PubMed 17052327; PubMed 18792986.